The following is an entry in ClinVar:

ClinVar aggregate classification (germline): Uncertain significance (1 of 4 stars; one submission).

Allele frequency attached by ClinVar (database versions not stated): gnomAD exomes 0.00001.
gnomAD v4.1: 1 of 1,550,552 alleles (0.000064%); highest among the groups gnomAD compares: Admixed American, 0.002%; no homozygotes.

Submission:

Labcorp Genetics (formerly Invitae), Labcorp
Classification: Uncertain significance. Last evaluated: 2021-10-08. Review status: criteria provided, single submitter. Criteria: Invitae Variant Classification Sherloc (09022015). Collection method: clinical testing. Allele origin: germline.
Comment: In summary, the available evidence is currently insufficient to determine the role of this variant in disease. Therefore, it has been classified as a Variant of Uncertain Significance. Algorithms developed to predict the effect of missense changes on protein structure and function are either unavailable or do not agree on the potential impact of this missense change (SIFT: "Tolerated"; PolyPhen-2: "Possibly Damaging"; Align-GVGD: "Class C0"). This variant has not been reported in the literature in individuals affected with OTOG-related conditions. The frequency data for this variant in the population databases is considered unreliable, as metrics indicate insufficient coverage at this position in the ExAC database. This sequence change replaces tyrosine with asparagine at codon 596 of the OTOG protein (p.Tyr596Asn). The tyrosine residue is highly conserved and there is a large physicochemical difference between tyrosine and asparagine.

NM_001292063.2(OTOG):c.1750T>A (p.Tyr584Asn)

Gene: OTOG (otogelin; plus strand). Cytogenetic location: 11p15.1.
Variant type: single nucleotide variant.
Coding change: c.1750T>A on transcript NM_001292063.2 (MANE Select); coding-DNA position 1750, T replaced by A.
Protein change: p.Tyr584Asn; replaces tyrosine 584 with asparagine.
Molecular consequence: missense variant.
Genome position (GRCh38, 1-based): chr11:17,569,261, T>A. VCF-style: chr11-17569261-T-A. GRCh37 (hg19) VCF-style: chr11-17590808-T-A.
Other names: c.1786T>A, p.Tyr596Asn (NM_001277269.2); short protein forms Y584N, Y596N.
Identifiers: ClinVar variation 1472667 (VCV001472667.6), dbSNP rs557473818, ClinGen allele CA379819510.
Genomic context (GRCh38, chr11:17,569,261, plus strand): 5'-CAGGACCCTCGGAGGCAGGTGACCCTGACCCAGGCAGGGGATGTCCTTCTGTTTGACCAG[T>A]ACAAGATCATCCCGCCATACACAGATGGTACGGTTTGGGGTGGACAACAGACCTAGTTGG-3'
Protein context (NP_001278992.1, residues 574-594): QAGDVLLFDQ[Tyr584Asn]KIIPPYTDDA